The following is an entry in ClinVar:

ClinVar aggregate classification (germline): Likely benign. Review status: criteria provided, single submitter (1 of 4 stars). 2 submissions from 2 submitters: Likely benign (1). 1 of the submissions does not count toward it. Last evaluated 2024-12-04.

Conditions:
PTPN11-related disorder. Also called: PTPN11-Related Disorders.
Cardiovascular phenotype. Identifiers: MedGen CN230736.

Allele frequency attached by ClinVar (database versions not stated): gnomAD exomes below 0.00001.
gnomAD v4.1: 1 of 1,613,342 alleles (0.000062%); highest among the groups gnomAD compares: Non-Finnish European, 0.000085%; no homozygotes.

Submissions (2):

Ambry Genetics
Classification: Likely benign for Cardiovascular phenotype. Last evaluated: 2024-12-04. Review status: criteria provided, single submitter. Criteria: Ambry Variant Classification Scheme 2023. Collection method: clinical testing. Allele origin: germline.

PreventionGenetics, part of Exact Sciences
Classification: Likely benign for PTPN11-related condition. Last evaluated: 2020-07-28. Review status: no assertion criteria provided. Collection method: clinical testing. Allele origin: germline. Not counted in ClinVar's aggregate classification.
Comment: This variant is classified as likely benign based on ACMG/AMP sequence variant interpretation guidelines (Richards et al. 2015 PMID: 25741868, with internal and published modifications).

NM_002834.5(PTPN11):c.906A>G (p.Ser302=)

Gene: PTPN11 (protein tyrosine phosphatase non-receptor type 11; plus strand). Cytogenetic location: 12q24.13.
Variant type: single nucleotide variant.
Coding change: c.906A>G on transcript NM_002834.5 (MANE Select); coding-DNA position 906, A replaced by G.
Protein change: p.Ser302=; no amino-acid change (serine 302 retained).
Molecular consequence: synonymous variant.
Genome position (GRCh38, 1-based): chr12:112,477,703, A>G. VCF-style: chr12-112477703-A-G. GRCh37 (hg19) VCF-style: chr12-112915507-A-G.
Other names: c.906A>G, p.Ser302= (NM_001330437.2, NM_080601.3); c.903A>G, p.Ser301= (NM_001374625.1).
Identifiers: ClinVar variation 3036670 (VCV003036670.3), dbSNP rs2135901320, ClinGen allele CA481887692.